The following is an entry in ClinVar:

ClinVar aggregate classification (germline): Benign/Likely benign. Review status: criteria provided, multiple submitters, no conflicts (2 of 4 stars). 6 submissions from 6 submitters: Benign (4); Likely benign (1). 1 of the submissions does not count toward it. Last evaluated 2025-11-25.

Conditions:
EP300-related disorder. Also called: EP300-related condition; EP300-related disorders.
Rubinstein-Taybi syndrome due to EP300 haploinsufficiency. Also called: RUBINSTEIN-TAYBI SYNDROME 2; EP300-Related Rubinstein-Taybi Syndrome. Identifiers: Orphanet 353284, Orphanet 783, MedGen C3150941, MONDO:0013364, OMIM 613684.

Allele frequency attached by ClinVar (database versions not stated): gnomAD exomes 0.00027; ExAC 0.00030; ESP Exome Variant Server 0.00108; gnomAD 0.00111; TOPMed 0.00116; 1000 Genomes Project 0.00180; 1000 Genomes Project 30x 0.00250.

Submissions (6):

Labcorp Genetics (formerly Invitae), Labcorp
Classification: Benign for Rubinstein-Taybi syndrome due to EP300 haploinsufficiency. Last evaluated: 2025-11-25. Review status: criteria provided, single submitter. Criteria: Invitae Variant Classification Sherloc (09022015). Collection method: clinical testing. Allele origin: germline.

CeGaT Center for Human Genetics Tuebingen
Classification: Benign. Last evaluated: 2022-08-01. Review status: criteria provided, single submitter. Criteria: CeGaT Center For Human Genetics Tuebingen Variant Classification Criteria Version 2. Collection method: clinical testing. Allele origin: germline. Affected: yes. Observed: 1 variant allele.
Comment: EP300: BS1, BS2

Blueprint Genetics
Classification: Likely benign. Last evaluated: 2022-07-14. Review status: criteria provided, single submitter. Criteria: ACMG Guidelines, 2015. Collection method: clinical testing. Allele origin: germline.

GeneDx
Classification: Benign. Last evaluated: 2019-07-15. Review status: criteria provided, single submitter. Criteria: GeneDx Variant Classification Process June 2021. Collection method: clinical testing. Allele origin: germline. Affected: yes.

Breakthrough Genomics
Classification: Benign. Review status: criteria provided, single submitter. Criteria: ACMG Guidelines, 2015. Collection method: not provided. Allele origin: germline. Inheritance: Autosomal dominant inheritance. Affected: yes.

PreventionGenetics, part of Exact Sciences
Classification: Likely benign for EP300-related condition. Last evaluated: 2024-08-15. Review status: no assertion criteria provided. Collection method: clinical testing. Allele origin: germline. Not counted in ClinVar's aggregate classification.
Comment: This variant is classified as likely benign based on ACMG/AMP sequence variant interpretation guidelines (Richards et al. 2015 PMID: 25741868, with internal and published modifications).

NM_001429.4(EP300):c.1686A>C (p.Pro562=)

Gene: EP300 (EP300 lysine acetyltransferase; plus strand). Cytogenetic location: 22q13.2.
Variant type: single nucleotide variant.
Coding change: c.1686A>C on transcript NM_001429.4 (MANE Select); coding-DNA position 1686, A replaced by C.
Protein change: p.Pro562=; no amino-acid change (proline 562 retained).
Molecular consequence: synonymous variant.
Genome position (GRCh38, 1-based): chr22:41,137,716, A>C. VCF-style: chr22-41137716-A-C. GRCh37 (hg19) VCF-style: chr22-41533720-A-C.
Other names: c.1686A>C, p.Pro562= (NM_001362843.2).
Identifiers: ClinVar variation 778975 (VCV000778975.40), dbSNP rs144993798, ClinGen allele CA10252598.
Genomic context (GRCh38, chr22:41,137,716, plus strand): 5'-AATGATGAGTGAAAATGCCAGTGTGCCCTCCCTGGGTCCTATGCCAACAGCAGCTCAACC[A>C]TCCACTACTGGAATTCGGAAACAGTGGCACGAAGATATTACTCAGGATCTTCGAAATCAT-3'
Protein context (NP_001420.2, residues 552-572): SLGPMPTAAQ[Pro562=]STTGIRKQWH